The following is an entry in ClinVar:

NM_000742.4(CHRNA2):c.648G>A (p.Met216Ile)

Gene: CHRNA2 (cholinergic receptor nicotinic alpha 2 subunit; minus strand). Cytogenetic location: 8p21.2.
Variant type: single nucleotide variant.
Coding change: c.648G>A on transcript NM_000742.4 (MANE Select); coding-DNA position 648, G replaced by A.
Protein change: p.Met216Ile; replaces methionine 216 with isoleucine.
Molecular consequence: missense variant.
Genome position (GRCh38, 1-based): chr8:27,463,795, C>T on the plus strand (G>A on the coding strand, the complement: CHRNA2 is on the minus strand). VCF-style: chr8-27463795-C-T. GRCh37 (hg19) VCF-style: chr8-27321312-C-T.
Other names: c.603G>A, p.Met201Ile (NM_001282455.2); c.171G>A, p.Met57Ile (NM_001347705.2, NM_001347706.2); c.54G>A, p.Met18Ile (NM_001347707.2, NM_001347708.2); short protein forms M216I, M201I, M18I, M57I.
Identifiers: ClinVar variation 3687428 (VCV003687428.2).

ClinVar aggregate classification (germline): Uncertain significance (1 of 4 stars; one submission).

Conditions:
Familial sleep-related hypermotor epilepsy. Also called: Autosomal Dominant Sleep-Related Hypermotor (Hyperkinetic) Epilepsy. Identifiers: Orphanet 98784, MedGen C3696898, MONDO:0000030.

Submission:

Labcorp Genetics (formerly Invitae), Labcorp
Classification: Uncertain significance. Last evaluated: 2024-09-24. Review status: criteria provided, single submitter. Criteria: Invitae Variant Classification Sherloc (09022015). Collection method: clinical testing. Allele origin: germline.
Comment: This sequence change replaces methionine, which is neutral and non-polar, with isoleucine, which is neutral and non-polar, at codon 216 of the CHRNA2 protein (p.Met216Ile). This variant is not present in population databases (gnomAD no frequency). This variant has not been reported in the literature in individuals affected with CHRNA2-related conditions. Invitae Evidence Modeling of protein sequence and biophysical properties (such as structural, functional, and spatial information, amino acid conservation, physicochemical variation, residue mobility, and thermodynamic stability) indicates that this missense variant is not expected to disrupt CHRNA2 protein function with a negative predictive value of 80%. In summary, the available evidence is currently insufficient to determine the role of this variant in disease. Therefore, it has been classified as a Variant of Uncertain Significance.